The following is an entry in ClinVar:

NM_144999.4(LRRC45):c.106G>T (p.Asp36Tyr)

Gene: LRRC45 (leucine rich repeat containing 45; plus strand). Cytogenetic location: 17q25.3.
Variant type: single nucleotide variant.
Coding change: c.106G>T on transcript NM_144999.4 (MANE Select); coding-DNA position 106, G replaced by T.
Protein change: p.Asp36Tyr; replaces aspartic acid 36 with tyrosine.
Molecular consequence: missense variant.
Genome position (GRCh38, 1-based): chr17:82,023,749, G>T. VCF-style: chr17-82023749-G-T. GRCh37 (hg19) VCF-style: chr17-79981625-G-T.
Other names: short protein forms D36Y.
Identifiers: ClinVar variation 4983799 (VCV004983799.1).

ClinVar aggregate classification (germline): Uncertain significance (1 of 4 stars; one submission).

Conditions:
LRRC45-related disorder. Also called: LRRC45-related condition.

gnomAD v4.1: 58 of 1,554,372 alleles (0.0037%); highest among the groups gnomAD compares: South Asian, 0.067%; 1 homozygote.

Submission:

PreventionGenetics, part of Exact Sciences
Classification: Uncertain significance for LRRC45-related condition. Last evaluated: 2026-07-16. Review status: criteria provided, single submitter. Criteria: ACMG Guidelines, 2015. Collection method: clinical testing. Allele origin: germline.
Comment: The LRRC45 c.106G>T variant is predicted to result in the amino acid substitution p.Asp36Tyr. To our knowledge, this variant has not been reported in the literature. This variant is reported in 0.064% of alleles in individuals of South Asian descent in gnomAD. Although we suspect that this variant may be benign, at this time, the clinical significance of this variant is uncertain due to the absence of conclusive functional and genetic evidence.